The following is an entry in ClinVar:

ClinVar aggregate classification (germline): Uncertain significance (1 of 4 stars; one submission).

Conditions:
Bardet-Biedl syndrome (BBS). Identifiers: Orphanet 110, MedGen C0752166, MONDO:0015229.

Submission:

Labcorp Genetics (formerly Invitae), Labcorp
Classification: Uncertain significance for Bardet-Biedl syndrome. Last evaluated: 2021-08-11. Review status: criteria provided, single submitter. Criteria: Invitae Variant Classification Sherloc (09022015). Collection method: clinical testing. Allele origin: germline.
Comment: This variant is not present in population databases (ExAC no frequency). This sequence change replaces aspartic acid with asparagine at codon 517 of the BBS12 protein (p.Asp517Asn). The aspartic acid residue is highly conserved and there is a small physicochemical difference between aspartic acid and asparagine. This variant has not been reported in the literature in individuals affected with BBS12-related conditions. In summary, the available evidence is currently insufficient to determine the role of this variant in disease. Therefore, it has been classified as a Variant of Uncertain Significance. Algorithms developed to predict the effect of missense changes on protein structure and function are either unavailable or do not agree on the potential impact of this missense change (SIFT: "Deleterious"; PolyPhen-2: "Probably Damaging"; Align-GVGD: "Class C15").

NM_152618.3(BBS12):c.1549G>A (p.Asp517Asn)

Gene: BBS12 (Bardet-Biedl syndrome 12; plus strand). Cytogenetic location: 4q27.
Variant type: single nucleotide variant.
Coding change: c.1549G>A on transcript NM_152618.3 (MANE Select); coding-DNA position 1549, G replaced by A.
Protein change: p.Asp517Asn; replaces aspartic acid 517 with asparagine.
Molecular consequence: missense variant.
Genome position (GRCh38, 1-based): chr4:122,743,441, G>A. VCF-style: chr4-122743441-G-A. GRCh37 (hg19) VCF-style: chr4-123664596-G-A.
Other names: c.1549G>A, p.Asp517Asn (NM_001178007.2); short protein forms D517N.
Identifiers: ClinVar variation 1466941 (VCV001466941.6), dbSNP rs2150737447, ClinGen allele CA358225358.